The following is an entry in ClinVar:

ClinVar aggregate classification (germline): Pathogenic/Likely pathogenic. Review status: criteria provided, multiple submitters, no conflicts (2 of 4 stars). 3 submissions from 3 submitters: Pathogenic (1); Likely pathogenic (2). Last evaluated 2025-09-16.

Conditions:
Autosomal recessive polycystic kidney disease (ARPKD). Also called: AR polycystic kidney disease. Identifiers: Orphanet 731, Orphanet 8378, MedGen C0085548, MeSH D017044, MONDO:0009889.
PKHD1-related disorder. Also called: PKHD1-related condition.

Submissions (3):

Labcorp Genetics (formerly Invitae), Labcorp
Classification: Pathogenic for Autosomal recessive polycystic kidney disease. Last evaluated: 2025-09-16. Review status: criteria provided, single submitter. Criteria: Invitae Variant Classification Sherloc (09022015). Collection method: clinical testing. Allele origin: germline.
Comment: This sequence change creates a premature translational stop signal (p.Ile1117Lysfs*7) in the PKHD1 gene. It is expected to result in an absent or disrupted protein product. Loss-of-function variants in PKHD1 are known to be pathogenic (PMID: 19940839). This variant is not present in population databases (gnomAD no frequency). This variant has not been reported in the literature in individuals affected with PKHD1-related conditions. ClinVar contains an entry for this variant (Variation ID: 2888505). For these reasons, this variant has been classified as Pathogenic.

Natera, Inc.
Classification: Likely pathogenic for Autosomal recessive polycystic kidney disease. Last evaluated: 2025-06-06. Review status: criteria provided, single submitter. Criteria: Natera Variant Classification Schema (03/2026). Collection method: clinical testing. Allele origin: germline.
Comment: The c.3350_3351delTA variant in PKHD1 is a frameshift variant predicted to shift the reading frame beginning at codon 1117 and leads to a stop codon 7 codons downstream. This variant is expected to result in nonsense mediated decay, truncation, or a dysfunctional protein product. This variant is rare in the general population with a frequency below the threshold expected for the associated phenotype(s). Given the available evidence, this variant is classified as Likely Pathogenic.

PreventionGenetics, part of Exact Sciences
Classification: Likely pathogenic for PKHD1-related condition. Last evaluated: 2024-12-13. Review status: criteria provided, single submitter. Criteria: ACMG Guidelines, 2015. Collection method: clinical testing. Allele origin: germline.
Comment: The PKHD1 c.3350_3351delTA variant is predicted to result in a frameshift and premature protein termination (p.Ile1117Lysfs*7). To our knowledge, this variant has not been reported in the literature or in a large population database (gnomAD), indicating this variant is rare. Frameshift variants in PKHD1 are expected to be pathogenic. This variant is interpreted as likely pathogenic.

Literature cited by the submitters: PubMed 19940839 (cited by Labcorp Genetics (formerly Invitae), Labcorp).

NM_138694.4(PKHD1):c.3350_3351del (p.Ile1117fs)

Gene: PKHD1 (PKHD1 ciliary IPT domain containing fibrocystin/polyductin; minus strand). Cytogenetic location: 6p12.2.
Variant type: Deletion.
Coding change: c.3350_3351del on transcript NM_138694.4 (MANE Select); coding-DNA positions 3350 to 3351, 2 bases deleted (TA; older notation c.3350_3351delTA).
Protein change: p.Ile1117fs; shifts the reading frame from isoleucine 1117.
Molecular consequence: frameshift variant.
Genome position (GRCh38, 1-based): chr6:52,033,043-52,033,044, TA deleted on the plus strand (TA on the coding strand, the reverse complement: PKHD1 is on the minus strand); deleting any 2 consecutive bases within chr6:52,033,043-52,033,045 gives the same sequence; the c. name uses the placement nearest the transcript's 3' end. VCF-style (leftmost placement, unchanged base first): chr6-52033042-TTA-T. GRCh37 (hg19) VCF-style: chr6-51897840-TTA-T.
Other names: c.3350_3351del, p.Ile1117fs (NM_170724.3); c.3350_3351delTA (NM_138694.3); short protein forms I1117fs.
Identifiers: ClinVar variation 2888505 (VCV002888505.7), dbSNP rs2532871665, ClinGen allele CA2679082860.